The following is an entry in ClinVar:

ClinVar aggregate classification (germline): Uncertain significance (1 of 4 stars; one submission).

Conditions:
Hereditary sensory and autonomic neuropathy type 6. Also called: HSAN VI; Neuropathy, hereditary sensory and autonomic, type VI. Identifiers: Orphanet 314381, MedGen C3539003, MONDO:0013839, OMIM 614653.
Epidermolysis bullosa simplex 3, localized or generalized intermediate, with BP230 deficiency (EBS3). Also called: Epidermolysis bullosa simplex, autosomal recessive 2; Epidermolysis bullosa simplex due to BP230 deficiency. Identifiers: Orphanet 412181, MedGen C3809470, MONDO:0014180, OMIM 615425.

Allele frequency attached by ClinVar (database versions not stated): gnomAD exomes below 0.00001; gnomAD 0.00001; TOPMed 0.00001.
gnomAD v4.1: 2 of 1,612,284 alleles (0.00012%); highest among the groups gnomAD compares: African/African-American, 0.0027%; no homozygotes.

Submission:

Labcorp Genetics (formerly Invitae), Labcorp
Classification: Uncertain significance for Epidermolysis bullosa simplex 3, localized or generalized intermediate, with BP230 deficiency; Hereditary sensory and autonomic neuropathy type 6. Last evaluated: 2023-01-05. Review status: criteria provided, single submitter. Criteria: Invitae Variant Classification Sherloc (09022015). Collection method: clinical testing. Allele origin: germline.
Comment: In summary, the available evidence is currently insufficient to determine the role of this variant in disease. Therefore, it has been classified as a Variant of Uncertain Significance. Experimental studies and prediction algorithms are not available or were not evaluated, and the effect of this variant on mRNA splicing is currently unknown. This variant has not been reported in the literature in individuals affected with DST-related conditions. This variant is not present in population databases (gnomAD no frequency). This sequence change falls in intron 46 of the DST gene. It does not directly change the encoded amino acid sequence of the DST protein. The DST gene has multiple clinically relevant transcripts. This variant occurs in alternate transcript NM_015548.4, and corresponds to NM_001723.5:c.*85553A>G in the primary transcript.

NM_001374736.1(DST):c.17268+10A>G

Gene: DST (dystonin; minus strand). Cytogenetic location: 6p12.1.
Variant type: single nucleotide variant.
Coding change: c.17268+10A>G on transcript NM_001374736.1 (MANE Select); 10 bases into the intron after coding-DNA position 17268, A replaced by G.
Molecular consequence: intron variant.
Genome position (GRCh38, 1-based): chr6:56,529,964, T>C on the plus strand (A>G on the coding strand, the complement: DST is on the minus strand). VCF-style: chr6-56529964-T-C. GRCh37 (hg19) VCF-style: chr6-56394762-T-C.
Other names: c.10911+10A>G (NM_001144769.5); c.17268+10A>G (NM_001374722.1); c.17295+10A>G (NM_001374734.1); c.10497+10A>G (NM_001144770.2); c.10377+10A>G (NM_001374730.1, NM_001386100.1, NM_183380.4); c.16635+10A>G (NM_001374729.1); c.9399+10A>G (NM_015548.5).
Identifiers: ClinVar variation 2930654 (VCV002930654.3), dbSNP rs2096866977, ClinGen allele CA1089300213.